The following is an entry in ClinVar:

NM_080669.6(SLC46A1):c.65G>A (p.Arg22Gln)

Gene: SLC46A1 (solute carrier family 46 member 1; minus strand). Cytogenetic location: 17q11.2.
Variant type: single nucleotide variant.
Coding change: c.65G>A on transcript NM_080669.6 (MANE Select); coding-DNA position 65, G replaced by A.
Protein change: p.Arg22Gln; replaces arginine 22 with glutamine.
Molecular consequence: missense variant.
Genome position (GRCh38, 1-based): chr17:28,406,050, C>T on the plus strand (G>A on the coding strand, the complement: SLC46A1 is on the minus strand). VCF-style: chr17-28406050-C-T. GRCh37 (hg19) VCF-style: chr17-26733068-C-T.
Other names: c.65G>A, p.Arg22Gln (NM_001242366.3); short protein forms R22Q.
Identifiers: ClinVar variation 1352544 (VCV001352544.3), dbSNP rs782817249, ClinGen allele CA398354821.

ClinVar aggregate classification (germline): Uncertain significance (1 of 4 stars; one submission).

Allele frequency attached by ClinVar (database versions not stated): TOPMed 0.00001.
gnomAD v4.1: 6 of 1,602,600 alleles (0.00037%); highest among the groups gnomAD compares: Admixed American, 0.01%; no homozygotes.

Submission:

Labcorp Genetics (formerly Invitae), Labcorp
Classification: Uncertain significance. Last evaluated: 2022-09-01. Review status: criteria provided, single submitter. Criteria: Invitae Variant Classification Sherloc (09022015). Collection method: clinical testing. Allele origin: germline.
Comment: This sequence change replaces arginine, which is basic and polar, with glutamine, which is neutral and polar, at codon 22 of the SLC46A1 protein (p.Arg22Gln). This variant is not present in population databases (gnomAD no frequency). This variant has not been reported in the literature in individuals affected with SLC46A1-related conditions. ClinVar contains an entry for this variant (Variation ID: 1352544). Experimental studies and prediction algorithms are not available or were not evaluated, and the functional significance of this variant is currently unknown. In summary, the available evidence is currently insufficient to determine the role of this variant in disease. Therefore, it has been classified as a Variant of Uncertain Significance.